The following is an entry in ClinVar:

NM_001267550.2(TTN):c.83758G>T (p.Glu27920Ter)

Genes: TTN (titin; minus strand), TTN-AS1 (TTN antisense RNA 1; plus strand). Cytogenetic location: 2q31.2.
Variant type: single nucleotide variant.
Coding change: c.83758G>T on transcript NM_001267550.2 (MANE Select); coding-DNA position 83758, G replaced by T.
Protein change: p.Glu27920Ter; replaces glutamic acid 27920 with a stop codon.
Molecular consequence: nonsense.
Genome position (GRCh38, 1-based): chr2:178,562,374, C>A on the plus strand (G>T on the coding strand, the complement: TTN is on the minus strand). VCF-style: chr2-178562374-C-A. GRCh37 (hg19) VCF-style: chr2-179427101-C-A.
Other names: c.78835G>T, p.Glu26279Ter (NM_001256850.1); c.56563G>T, p.Glu18855Ter (NM_003319.4); c.76054G>T, p.Glu25352Ter (NM_133378.4); c.56938G>T, p.Glu18980Ter (NM_133432.3); c.57139G>T, p.Glu19047Ter (NM_133437.4); short protein forms E18855*, E18980*, E19047*, E25352*, E26279*, E27920*.
Identifiers: ClinVar variation 3906480 (VCV003906480.1).
Genomic context (GRCh38, chr2:178,562,374, plus strand): 5'-TAACTGCAGCTACCCTGAAGACATACTCTTCTCCTGCAGTTAAGCCAGATATAGTTGCTT[C>A]TAGAGTCTTAACTTGTGTGCAGGTGCTCCACTTTTCACTCCCTTTAGTCTGCATTTCAAC-3'

ClinVar aggregate classification (germline): Likely pathogenic (1 of 4 stars; one submission).

Submission:

GeneDx
Classification: Likely pathogenic. Last evaluated: 2024-12-17. Review status: criteria provided, single submitter. Criteria: GeneDx Variant Classification Process June 2021. Collection method: clinical testing. Allele origin: germline. Affected: yes.
Comment: Nonsense variant predicted to result in protein truncation or nonsense mediated decay in a gene for which loss of function is a known mechanism of disease; Located in the A-band, a region of TTN for which truncating variants are significantly associated with autosomal dominant cardiomyopathy and also with autosomal recessive skeletal myopathies (PMID: 22335739, 32778822); Not observed at significant frequency in large population cohorts (gnomAD); Has not been previously published as pathogenic or benign to our knowledge; This variant is associated with the following publications: (PMID: 22335739, 32778822)